The following is an entry in ClinVar:

NM_000352.6(ABCC8):c.4208T>C (p.Ile1403Thr)

Gene: ABCC8 (ATP binding cassette subfamily C member 8; minus strand). Cytogenetic location: 11p15.1.
Variant type: single nucleotide variant.
Coding change: c.4208T>C on transcript NM_000352.6 (MANE Select); coding-DNA position 4208, T replaced by C.
Protein change: p.Ile1403Thr; replaces isoleucine 1403 with threonine.
Molecular consequence: missense variant. On other transcripts: non-coding transcript variant (1).
Genome position (GRCh38, 1-based): chr11:17,395,709, A>G on the plus strand (T>C on the coding strand, the complement: ABCC8 is on the minus strand). VCF-style: chr11-17395709-A-G. GRCh37 (hg19) VCF-style: chr11-17417256-A-G.
Other names: c.4211T>C, p.Ile1404Thr (NM_001287174.3); c.4274T>C, p.Ile1425Thr (NM_001351295.2); c.4208T>C, p.Ile1403Thr (NM_001351296.2); c.4205T>C, p.Ile1402Thr (NM_001351297.2); short protein forms I1402T, I1403T, I1404T, I1425T.
Identifiers: ClinVar variation 1311162 (VCV001311162.2), dbSNP rs2133401418, ClinGen allele CA379787397.

ClinVar aggregate classification (germline): Uncertain significance (1 of 4 stars; one submission).

Submission:

GeneDx
Classification: Uncertain significance. Last evaluated: 2019-09-03. Review status: criteria provided, single submitter. Criteria: GeneDx Variant Classification Process June 2021. Collection method: clinical testing. Allele origin: germline. Affected: yes.
Comment: Has not been previously published as pathogenic or benign to our knowledge; Not observed in large population cohorts (Lek et al., 2016); In silico analysis, which includes protein predictors and evolutionary conservation, supports that this variant does not alter protein structure/function